The following is an entry in ClinVar:

NM_000143.4(FH):c.379-2A>G

Gene: FH (fumarate hydratase; minus strand). Cytogenetic location: 1q43.
Variant type: single nucleotide variant.
Coding change: c.379-2A>G on transcript NM_000143.4 (MANE Select); the canonical splice acceptor site of the intron before coding-DNA position 379, A replaced by G.
Molecular consequence: splice acceptor variant.
Genome position (GRCh38, 1-based): chr1:241,512,145, T>C on the plus strand (A>G on the coding strand, the complement: FH is on the minus strand). VCF-style: chr1-241512145-T-C. GRCh37 (hg19) VCF-style: chr1-241675445-T-C.
Identifiers: ClinVar variation 429178 (VCV000429178.10), dbSNP rs1131691240, ClinGen allele CA345440239.

ClinVar aggregate classification (germline): Pathogenic/Likely pathogenic. Review status: criteria provided, multiple submitters, no conflicts (2 of 4 stars). 3 submissions from 3 submitters: Pathogenic (2); Likely pathogenic (1). Last evaluated 2026-05-18.

Conditions:
Hereditary cancer-predisposing syndrome. Also called: Neoplastic Syndromes, Hereditary; Hereditary Cancer Syndrome; Hereditary neoplastic syndrome; Tumor predisposition. Identifiers: Orphanet 140162, MedGen C0027672, MeSH D009386, MONDO:0015356.
Hereditary leiomyomatosis and renal cell cancer. Also called: MULTIPLE CUTANEOUS AND UTERINE LEIOMYOMATA 1, WITH OR WITHOUT RENAL CELL CARCINOMA; Familial leiomyomatosis; LEIOMYOMA, MULTIPLE CUTANEOUS; FH tumor predisposition syndrome; Multiple cutaneous leiomyomas; Reed syndrome. Identifiers: Orphanet 523, MedGen C1708350, MONDO:0007888, OMIM 150800, HP:0007437. Disease mechanism: loss of function.

Submissions (3):

Ambry Genetics
Classification: Pathogenic for Hereditary cancer-predisposing syndrome. Last evaluated: 2026-05-18. Review status: criteria provided, single submitter. Criteria: Ambry Variant Classification Scheme 2023. Collection method: clinical testing. Allele origin: germline.
Comment: The c.379-2A>G intronic pathogenic mutation results from an A to G substitution two nucleotides before coding exon 4 in the FH gene. This variant was reported in individual(s) with features consistent with FH-related tumor predisposition; additionally, an enzymatic assay demonstrated these individuals have significant decrease in FH activity (Gardie B et al. J Med Genet. 2011 Apr;48:226-34; Muller M et al. Clin Genet, 2017 Dec;92:606-615; Ambry internal data). In silico splice site analysis predicts that this alteration will weaken the native splice acceptor site and will result in the creation or strengthening of a novel splice acceptor site. A resulting transcript is predicted to be in-frame and is not expected to trigger nonsense-mediated mRNA decay. RNA studies have demonstrated that this variant results in abnormal splicing in the set of samples tested (Ambry internal data). This variant is considered to be rare based on population cohorts in the Genome Aggregation Database (gnomAD). This nucleotide position is highly conserved in available vertebrate species. Variants that disrupt the canonical splice site are expected to cause aberrant splicing. As such, this variant is classified as a disease-causing mutation.

Myriad Genetics, Inc.
Classification: Likely pathogenic for Hereditary leiomyomatosis and renal cell cancer. Last evaluated: 2025-07-16. Review status: criteria provided, single submitter. Criteria: Myriad Autosomal Dominant, Autosomal Recessive and X-Linked Classification Criteria (2023). Collection method: clinical testing. Allele origin: unknown.
Comment: This variant is considered likely pathogenic. This variant occurs within a consensus splice junction and is predicted to result in abnormal mRNA splicing of either an out-of-frame exon or an in-frame exon necessary for protein stability and/or normal function.

Labcorp Genetics (formerly Invitae), Labcorp
Classification: Pathogenic. Last evaluated: 2024-11-14. Review status: criteria provided, single submitter. Criteria: Invitae Variant Classification Sherloc (09022015). Collection method: clinical testing. Allele origin: germline.
Comment: This sequence change affects an acceptor splice site in intron 3 of the FH gene. It is expected to disrupt RNA splicing. Variants that disrupt the donor or acceptor splice site typically lead to a loss of protein function (PMID: 16199547), and loss-of-function variants in FH are known to be pathogenic (PMID: 11865300, 21398687). This variant is not present in population databases (gnomAD no frequency). Disruption of this splice site has been observed in individual(s) with autosomal dominant FH-related conditions (PMID: 21398687, 28300276; internal data). It has also been observed to segregate with disease in related individuals. ClinVar contains an entry for this variant (Variation ID: 429178). Algorithms developed to predict the effect of sequence changes on RNA splicing suggest that this variant may disrupt the consensus splice site. For these reasons, this variant has been classified as Pathogenic.

Literature cited by the submitters: PubMed 21398687 (cited by Ambry Genetics and Labcorp Genetics (formerly Invitae), Labcorp); PubMed 28300276 (cited by Ambry Genetics and Labcorp Genetics (formerly Invitae), Labcorp); PubMed 16199547 (cited by Labcorp Genetics (formerly Invitae), Labcorp); PubMed 11865300 (cited by Labcorp Genetics (formerly Invitae), Labcorp).